The following is an entry in ClinVar:

NM_005687.5(FARSB):c.1750A>G (p.Asn584Asp)

Gene: FARSB (phenylalanyl-tRNA synthetase subunit beta; minus strand). Cytogenetic location: 2q36.1.
Variant type: single nucleotide variant.
Coding change: c.1750A>G on transcript NM_005687.5 (MANE Select); coding-DNA position 1750, A replaced by G.
Protein change: p.Asn584Asp; replaces asparagine 584 with aspartic acid.
Molecular consequence: missense variant. On other transcripts: non-coding transcript variant (1).
Genome position (GRCh38, 1-based): chr2:222,571,891, T>C on the plus strand (A>G on the coding strand, the complement: FARSB is on the minus strand). VCF-style: chr2-222571891-T-C. GRCh37 (hg19) VCF-style: chr2-223436610-T-C.
Other names: short protein forms N584D.
Identifiers: ClinVar variation 1716057 (VCV001716057.5), dbSNP rs1179115421, ClinGen allele CA350804960.
Genomic context (GRCh38, chr2:222,571,891, plus strand): 5'-GGGACACCTGGGAAGAGAATCACACCACAGAGACCAATCTTCACAAAAAGGGTCCAACAT[T>C]GATTTCTAGGGAGGAGCAGGGCATGGTCAGCTCAAATTTGGTGATAACGTCAGGATGAAG-3'
Protein context (NP_005678.3, residues 574-589): LTMPCSSLEI[Asn584Asp]VGPFL

ClinVar aggregate classification (germline): Uncertain significance (1 of 4 stars; one submission).

Allele frequency attached by ClinVar (database versions not stated): gnomAD exomes below 0.00001.
gnomAD v4.1: 1 of 1,612,826 alleles (0.000062%); highest among the groups gnomAD compares: East Asian, 0.0022%; no homozygotes.

Submission:

Labcorp Genetics (formerly Invitae), Labcorp
Classification: Uncertain significance. Last evaluated: 2023-05-10. Review status: criteria provided, single submitter. Criteria: Invitae Variant Classification Sherloc (09022015). Collection method: clinical testing. Allele origin: germline.
Comment: In summary, the available evidence is currently insufficient to determine the role of this variant in disease. Therefore, it has been classified as a Variant of Uncertain Significance. Advanced modeling of protein sequence and biophysical properties (such as structural, functional, and spatial information, amino acid conservation, physicochemical variation, residue mobility, and thermodynamic stability) performed at Invitae indicates that this missense variant is not expected to disrupt FARSB protein function. ClinVar contains an entry for this variant (Variation ID: 1716057). This variant has not been reported in the literature in individuals affected with FARSB-related conditions. The frequency data for this variant in the population databases is considered unreliable, as metrics indicate poor data quality at this position in the gnomAD database. This sequence change replaces asparagine, which is neutral and polar, with aspartic acid, which is acidic and polar, at codon 584 of the FARSB protein (p.Asn584Asp).